The following is an entry in ClinVar:

NM_014324.6(AMACR):c.967G>T (p.Val323Leu)

Genes: AMACR (alpha-methylacyl-CoA racemase; minus strand), C1QTNF3-AMACR (C1QTNF3-AMACR readthrough (NMD candidate); minus strand). Cytogenetic location: 5p13.2.
Variant type: single nucleotide variant.
Coding change: c.967G>T on transcript NM_014324.6 (MANE Select); coding-DNA position 967, G replaced by T.
Protein change: p.Val323Leu; replaces valine 323 with leucine.
Molecular consequence: missense variant. On other transcripts: non-coding transcript variant (1), 3 prime UTR variant (1).
Genome position (GRCh38, 1-based): chr5:33,989,275, C>A on the plus strand (G>T on the coding strand, the complement: AMACR is on the minus strand). VCF-style: chr5-33989275-C-A. GRCh37 (hg19) VCF-style: chr5-33989380-C-A.
Other names: c.967G>T, p.Val323Leu (NM_001167595.2); c.*209G>T (NM_203382.3); short protein forms V323L.
Identifiers: ClinVar variation 1945553 (VCV001945553.5), dbSNP rs200505839, ClinGen allele CA359398914.
Genomic context (GRCh38, chr5:33,989,275, plus strand): 5'-CCCTTTTGAAAGAAGGGATGGCTGGGGTGTTTAACAGCAGAGGTGCAGGGCGGGGGCTCA[C>A]GTCCTGCTCCTCACTGGTGATAAACGAGCCCCGTTCCTTGTTGTGATCATGATGAACAAC-3'
Protein context (NP_055139.4, residues 313-333): GSFITSEEQD[Val323Leu]SPRPAPLLLN

ClinVar aggregate classification (germline): Uncertain significance (1 of 4 stars; one submission).

Conditions:
Alpha-methylacyl-CoA racemase deficiency (AMACRD). Also called: AMACR deficiency. Identifiers: Orphanet 79095, MedGen C3280428, MONDO:0013681, OMIM 614307. Disease mechanism: loss of function.

gnomAD v4.1: 1 of 1,614,108 alleles (0.000062%); highest among the groups gnomAD compares: Admixed American, 0.0017%; no homozygotes.

Submission:

Labcorp Genetics (formerly Invitae), Labcorp
Classification: Uncertain significance for Alpha-methylacyl-CoA racemase deficiency. Last evaluated: 2022-07-04. Review status: criteria provided, single submitter. Criteria: Invitae Variant Classification Sherloc (09022015). Collection method: clinical testing. Allele origin: germline.
Comment: This sequence change replaces valine, which is neutral and non-polar, with leucine, which is neutral and non-polar, at codon 323 of the AMACR protein (p.Val323Leu). In summary, the available evidence is currently insufficient to determine the role of this variant in disease. Therefore, it has been classified as a Variant of Uncertain Significance. Algorithms developed to predict the effect of missense changes on protein structure and function output the following: SIFT: "Tolerated"; PolyPhen-2: "Benign"; Align-GVGD: "Class C0". The leucine amino acid residue is found in multiple mammalian species, which suggests that this missense change does not adversely affect protein function. This variant has not been reported in the literature in individuals affected with AMACR-related conditions. This variant is present in population databases (no rsID available, gnomAD 0.003%).